The following is an entry in ClinVar:

NM_004168.4(SDHA):c.354C>T (p.Asn118=)

Gene: SDHA (succinate dehydrogenase complex flavoprotein subunit A; plus strand). Cytogenetic location: 5p15.33.
Variant type: single nucleotide variant.
Coding change: c.354C>T on transcript NM_004168.4 (MANE Select); coding-DNA position 354, C replaced by T.
Protein change: p.Asn118=; no amino-acid change (asparagine 118 retained).
Molecular consequence: synonymous variant. On other transcripts: intron variant (1).
Genome position (GRCh38, 1-based): chr5:225,460, C>T. VCF-style: chr5-225460-C-T. GRCh37 (hg19) VCF-style: chr5-225575-C-T.
Other names: c.354C>T, p.Asn118= (NM_001330758.2); c.313-423C>T (NM_001294332.2).
Identifiers: ClinVar variation 790876 (VCV000790876.14), dbSNP rs923803277, ClinGen allele CA112815568.
Genomic context (GRCh38, chr5:225,460, plus strand): 5'-GAGTGGTTGGTGTTTCCAGGGAGGAATCAATGCTGCTCTGGGGAACATGGAGGAGGACAA[C>T]TGGAGGTGGCATTTCTACGACACCGTGAAGGGCTCCGACTGGCTGGGGGACCAGGATGCC-3'
Protein context (NP_004159.2, residues 108-128): NAALGNMEED[Asn118=]WRWHFYDTVK

ClinVar aggregate classification (germline): Benign/Likely benign. Review status: criteria provided, multiple submitters, no conflicts (2 of 4 stars). 3 submissions from 3 submitters: Benign (1); Likely benign (2). Last evaluated 2025-10-27.

Conditions:
Pheochromocytoma/paraganglioma syndrome 5. Also called: Paragangliomas 5; SDHA-Related Hereditary Paraganglioma-Pheochromocytoma Syndrome. Identifiers: Orphanet 29072, MedGen C3279992, MONDO:0013602, OMIM 614165.
Mitochondrial complex II deficiency, nuclear type 1. Also called: SUCCINATE CoQ REDUCTASE DEFICIENCY. Identifiers: Orphanet 3208, MedGen C5700310, MONDO:0100294, OMIM 252011.
Hereditary cancer-predisposing syndrome. Also called: Tumor predisposition; Hereditary neoplastic syndrome; Neoplastic Syndromes, Hereditary; Hereditary Cancer Syndrome. Identifiers: Orphanet 140162, MedGen C0027672, MeSH D009386, MONDO:0015356.

Allele frequency attached by ClinVar (database versions not stated): TOPMed below 0.00001; gnomAD 0.00001.
gnomAD v4.1: 1 of 1,613,210 alleles (0.000062%); highest among the groups gnomAD compares: Non-Finnish European, 0.000085%; no homozygotes.

Submissions (3):

Labcorp Genetics (formerly Invitae), Labcorp
Classification: Likely benign for Pheochromocytoma/paraganglioma syndrome 5; Mitochondrial complex II deficiency, nuclear type 1. Last evaluated: 2025-10-27. Review status: criteria provided, single submitter. Criteria: Invitae Variant Classification Sherloc (09022015). Collection method: clinical testing. Allele origin: germline.

Myriad Genetics, Inc.
Classification: Benign for Pheochromocytoma/paraganglioma syndrome 5. Last evaluated: 2025-02-28. Review status: criteria provided, single submitter. Criteria: Myriad Autosomal Dominant, Autosomal Recessive and X-Linked Classification Criteria (2023). Collection method: clinical testing. Allele origin: unknown.
Comment: This variant is considered benign. This variant is a silent/synonymous amino acid change and it is not expected to impact splicing.

Ambry Genetics
Classification: Likely benign for Hereditary cancer-predisposing syndrome. Last evaluated: 2022-10-19. Review status: criteria provided, single submitter. Criteria: Ambry Variant Classification Scheme 2023. Collection method: clinical testing. Allele origin: germline.